The following is an entry in ClinVar:

ClinVar aggregate classification (germline): Uncertain significance. Review status: criteria provided, multiple submitters, no conflicts (2 of 4 stars). 2 submissions from 2 submitters: Uncertain significance (2). Last evaluated 2025-10-01.

Conditions:
Inborn genetic diseases. Identifiers: MedGen C0950123, MeSH D030342.

gnomAD v4.1: 51 of 1,613,990 alleles (0.0032%); highest among the groups gnomAD compares: Admixed American, 0.045%; no homozygotes.

Submissions (2):

Labcorp Genetics (formerly Invitae), Labcorp
Classification: Uncertain significance. Last evaluated: 2025-10-01. Review status: criteria provided, single submitter. Criteria: Invitae Variant Classification Sherloc (09022015). Collection method: clinical testing. Allele origin: germline.
Comment: This sequence change replaces threonine, which is neutral and polar, with isoleucine, which is neutral and non-polar, at codon 134 of the GRID2 protein (p.Thr134Ile). This variant is present in population databases (rs143139306, gnomAD 0.08%). This variant has not been reported in the literature in individuals affected with GRID2-related conditions. ClinVar contains an entry for this variant (Variation ID: 3855717). Invitae Evidence Modeling of protein sequence and biophysical properties (such as structural, functional, and spatial information, amino acid conservation, physicochemical variation, residue mobility, and thermodynamic stability) indicates that this missense variant is not expected to disrupt GRID2 protein function with a negative predictive value of 80%. In summary, the available evidence is currently insufficient to determine the role of this variant in disease. Therefore, it has been classified as a Variant of Uncertain Significance.

Ambry Genetics
Classification: Uncertain significance for Inborn genetic diseases. Last evaluated: 2025-02-06. Review status: criteria provided, single submitter. Criteria: Ambry Variant Classification Scheme 2023. Collection method: clinical testing. Allele origin: germline.

NM_001510.4(GRID2):c.401C>T (p.Thr134Ile)

Gene: GRID2 (glutamate ionotropic receptor delta type subunit 2; plus strand). Cytogenetic location: 4q22.2.
Variant type: single nucleotide variant.
Coding change: c.401C>T on transcript NM_001510.4 (MANE Select); coding-DNA position 401, C replaced by T.
Protein change: p.Thr134Ile; replaces threonine 134 with isoleucine.
Molecular consequence: missense variant. On other transcripts: intron variant (1).
Genome position (GRCh38, 1-based): chr4:93,085,151, C>T. VCF-style: chr4-93085151-C-T. GRCh37 (hg19) VCF-style: chr4-94006302-C-T.
Other names: c.245-25597C>T (NM_001286838.1); short protein forms T134I.
Identifiers: ClinVar variation 3855717 (VCV003855717.2).